The following is an entry in ClinVar:

NM_203447.4(DOCK8):c.4024G>A (p.Gly1342Arg)

Gene: DOCK8 (dedicator of cytokinesis 8; plus strand). Cytogenetic location: 9p24.3.
Variant type: single nucleotide variant.
Coding change: c.4024G>A on transcript NM_203447.4 (MANE Select); coding-DNA position 4024, G replaced by A.
Protein change: p.Gly1342Arg; replaces glycine 1342 with arginine.
Molecular consequence: missense variant.
Genome position (GRCh38, 1-based): chr9:420,949, G>A. VCF-style: chr9-420949-G-A. GRCh37 (hg19) VCF-style: chr9-420949-G-A.
Other names: c.3724G>A, p.Gly1242Arg (NM_001190458.2); c.3820G>A, p.Gly1274Arg (NM_001193536.2); short protein forms G1242R, G1342R, G1274R.
Identifiers: ClinVar variation 1436132 (VCV001436132.7), dbSNP rs2131641405, ClinGen allele CA372764264.

ClinVar aggregate classification (germline): Uncertain significance. Review status: criteria provided, multiple submitters, no conflicts (2 of 4 stars). 2 submissions from 2 submitters: Uncertain significance (2). Last evaluated 2024-10-07.

Conditions:
Combined immunodeficiency due to DOCK8 deficiency (HIES2). Also called: HYPER-IgE SYNDROME 2, AUTOSOMAL RECESSIVE, WITH RECURRENT INFECTIONS; Hyper-IgE recurrent infection syndrome, autosomal recessive; HYPER-IgE RECURRENT INFECTION SYNDROME 2, AUTOSOMAL RECESSIVE; HIES autosomal recessive; DOCK8 Deficiency. Identifiers: Orphanet 217390, MedGen C4722305, MONDO:0009478, OMIM 243700.

Allele frequency attached by ClinVar (database versions not stated): gnomAD exomes below 0.00001.
gnomAD v4.1: 1 of 1,614,178 alleles (0.000062%); highest among the groups gnomAD compares: African/African-American, 0.0013%; no homozygotes.

Submissions (2):

Blueprint Genetics
Classification: Uncertain significance. Last evaluated: 2024-10-07. Review status: criteria provided, single submitter. Criteria: ACMG Guidelines, 2015. Collection method: clinical testing. Allele origin: germline.

Labcorp Genetics (formerly Invitae), Labcorp
Classification: Uncertain significance for Combined immunodeficiency due to DOCK8 deficiency. Last evaluated: 2021-12-08. Review status: criteria provided, single submitter. Criteria: Invitae Variant Classification Sherloc (09022015). Collection method: clinical testing. Allele origin: germline.
Comment: This sequence change replaces glycine, which is neutral and non-polar, with arginine, which is basic and polar, at codon 1342 of the DOCK8 protein (p.Gly1342Arg). This variant is not present in population databases (gnomAD no frequency). This variant has not been reported in the literature in individuals affected with DOCK8-related conditions. Algorithms developed to predict the effect of missense changes on protein structure and function are either unavailable or do not agree on the potential impact of this missense change (SIFT: "Deleterious"; PolyPhen-2: "Probably Damaging"; Align-GVGD: "Class C0"). In summary, the available evidence is currently insufficient to determine the role of this variant in disease. Therefore, it has been classified as a Variant of Uncertain Significance.